The following is an entry in ClinVar:

ClinVar aggregate classification (germline): Pathogenic. Review status: criteria provided, multiple submitters, no conflicts (2 of 4 stars). 9 submissions from 9 submitters: Pathogenic (8). 1 of the submissions does not count toward it. Last evaluated 2024-03-29.

Conditions:
Neuropathy, congenital hypomyelinating, 3. Identifiers: MedGen C4748608, MONDO:0020766, OMIM 618186.
Lethal congenital contracture syndrome 7 (LCCS7). Identifiers: MedGen C4225386, MONDO:0014569, OMIM 616286.

Allele frequency attached by ClinVar (database versions not stated): gnomAD 0.00005; ExAC 0.00002; TOPMed 0.00004; ESP Exome Variant Server 0.00016; gnomAD exomes 0.00002.

Submissions (9):

Genomic Medicine Center of Excellence, King Faisal Specialist Hospital and Research Centre
Classification: Pathogenic for Neuropathy, congenital hypomyelinating, 3. Last evaluated: 2024-03-29. Review status: criteria provided, single submitter. Criteria: ACMG Guidelines, 2015. Collection method: clinical testing. Allele origin: germline.

Women's Health and Genetics/Laboratory Corporation of America, LabCorp
Classification: Pathogenic for Neuropathy, congenital hypomyelinating, 3. Last evaluated: 2023-09-13. Review status: criteria provided, single submitter. Criteria: LabCorp Variant Classification Summary - May 2015. Collection method: clinical testing. Allele origin: germline.
Comment: Variant summary: CNTNAP1 c.2901_2902delCT (p.Cys968PhefsX11) results in a premature termination codon, predicted to cause absence of the protein due to nonsense mediated decay, which is a commonly known mechanism for disease. The variant allele was found at a frequency of 2e-05 in 251486 control chromosomes (gnomAD). c.2901_2902delCT has been reported in the literature in an individual(s) affected with Neuropathy, Congenital Hypomyelinating, 3 who was compound heterozygous with a pathogenic gross deletion variant (Bowling_2022). The following publication has been ascertained in the context of this evaluation (PMID: 34930662). Five submitters have cited clinical-significance assessments for this variant to ClinVar after 2014. All submitters classified the variant as pathogenic. Based on the evidence outlined above, the variant was classified as pathogenic.

GeneDx
Classification: Pathogenic. Last evaluated: 2023-06-22. Review status: criteria provided, single submitter. Criteria: GeneDx Variant Classification Process June 2021. Collection method: clinical testing. Allele origin: germline. Affected: yes.
Comment: Frameshift variant predicted to result in protein truncation or nonsense mediated decay in a gene for which loss-of-function is a known mechanism of disease; Not observed at a significant frequency in large population cohorts (gnomAD); This variant is associated with the following publications: (PMID: 31397905, 28374019, 24319099, 34930662, 33820833, 31618753)

Dasa
Classification: Pathogenic for Neuropathy, congenital hypomyelinating, 3. Last evaluated: 2022-01-05. Review status: criteria provided, single submitter. Criteria: ACMG Guidelines, 2015. Collection method: clinical testing. Allele origin: germline. Affected: yes. Observed: 1 variant allele.
Comment: The c.2901_2902del;p.(Cys968Phefs*11) is a null frameshift variant (NMD) in the CNTNAP1 gene and predicts alteration of the nonsense-mediate decay - NMD is present in a relevantexon to the transcript -PVS1. This sequence change has been observed in affected individual(s) and ClinVar contains an entry for this variant (ClinVar ID: 204313; OMIM: 602346.0003; PMID: 24319099) - PS4_moderate. This variant is not present in population databases (rs751050956, gnomAD; ABraOM no frequency) - PM2. The p.(Cys968Phefs*11) was detected in trans with a pathogenic variant (PMID: 24319099) - PM3.The variant co-segregated with disease in multiple affected family members (PMID: 24319099) - PP1_strong. In summary, the currently available evidence indicates that the variant is pathogenic.

Labcorp Genetics (formerly Invitae), Labcorp
Classification: Pathogenic. Last evaluated: 2020-11-26. Review status: criteria provided, single submitter. Criteria: Invitae Variant Classification Sherloc (09022015). Collection method: clinical testing. Allele origin: germline.
Comment: This variant has been observed in individual(s) with CNTNAP1-related conditions (PMID: 24319099, 31397905). It has also been observed to segregate with disease in related individuals. ClinVar contains an entry for this variant (Variation ID: 204313). For these reasons, this variant has been classified as Pathogenic. This sequence change creates a premature translational stop signal (p.Cys968Phefs*11) in the CNTNAP1 gene. It is expected to result in an absent or disrupted protein product. Loss-of-function variants in CNTNAP1 are known to be pathogenic (PMID: 24319099). This variant is present in population databases (rs751050956, ExAC 0.004%).

HudsonAlpha Institute for Biotechnology
Classification: Pathogenic for Lethal congenital contracture syndrome 7. Last evaluated: 2020-09-30. Review status: criteria provided, single submitter. Criteria: ACMG Guidelines, 2015. Collection method: research. Allele origin: inherited. Affected: yes. Observed: 1 homozygote. Study: CSER-SouthSeq.
Comment: ACMG codes:PVS1; PM2; PM3; PP1S

Rady Children's Institute for Genomic Medicine, Rady Children's Hospital San Diego
Classification: Pathogenic for LETHAL CONGENITAL CONTRACTURE SYNDROME 7. Last evaluated: 2018-03-30. Review status: criteria provided, single submitter. Criteria: ACMG Guidelines, 2015. Collection method: clinical testing. Allele origin: germline. Affected: yes. Observed: 1 variant allele.
Comment: This frameshifting variant is predicted to result in a premature stop codon and is therefore considered a loss-of-function mutation. This variant has been previously reported as a homozygous change in three siblings with arthrogryposis, hypotonia, respiratory distress, and feeding difficulties (PMID: 24319099). It is present as a heterozygous change in the gnomAD population database at a frequency of 0.003% (7/277236). Based on the available evidence, the c.2901_2902delCT (p.Cys968PhefsTer11) variant is classified as a pathogenic change.

Laboratoire de Génétique Moléculaire, CHU Bordeaux
Classification: Pathogenic. Review status: criteria provided, single submitter. Criteria: ACMG Guidelines, 2015. Collection method: clinical testing. Allele origin: germline. Affected: yes.

OMIM
Classification: Pathogenic for LETHAL CONGENITAL CONTRACTURE SYNDROME 7. Last evaluated: 2014-05-01. Review status: no assertion criteria provided. Collection method: literature only. Allele origin: germline. Not counted in ClinVar's aggregate classification.

Literature cited by the submitters: PubMed 34930662 (cited by Women's Health and Genetics/Laboratory Corporation of America, LabCorp); PubMed 24319099 (cited by 3 submitters); PubMed 31397905 (cited by Labcorp Genetics (formerly Invitae), Labcorp); Melki, J. Personal Communication. 2015. Paris, France (cited by OMIM).

NM_003632.3(CNTNAP1):c.2901_2902del (p.Cys968fs)

Gene: CNTNAP1 (contactin associated protein 1; plus strand). Cytogenetic location: 17q21.2.
Variant type: Deletion.
Coding change: c.2901_2902del on transcript NM_003632.3 (MANE Select); coding-DNA positions 2901 to 2902, 2 bases deleted (CT; older notation c.2901_2902delCT).
Protein change: p.Cys968fs; shifts the reading frame from cysteine 968.
Molecular consequence: frameshift variant.
Genome position (GRCh38, 1-based): chr17:42,693,445-42,693,446, CT deleted. VCF-style (leftmost placement, unchanged base first): chr17-42693444-CCT-C. GRCh37 (hg19) VCF-style: chr17-40845462-CCT-C.
Other names: c.2901_2902delCT (NM_003632.3, NM_003632.2); short protein forms C968fs.
Identifiers: ClinVar variation 204313 (VCV000204313.19), dbSNP rs751050956, ClinGen allele CA8582187.